The following is an entry in ClinVar:

ClinVar aggregate classification (germline): Benign (1 of 4 stars; one submission).

Conditions:
Polycystic liver disease 2 (PCLD2). Also called: Polycystic liver disease 2 with or without kidney cysts. Identifiers: Orphanet 2924, MedGen C4310769, MONDO:0014860, OMIM 617004.

Allele frequency attached by ClinVar (database versions not stated): 1000 Genomes Project 30x 0.00031; TOPMed 0.00050; gnomAD 0.00060 and 0.00063; 1000 Genomes Project 0.00040.

Submission:

Illumina Laboratory Services, Illumina
Classification: Benign for Polycystic liver disease 2. Last evaluated: 2018-01-13. Review status: criteria provided, single submitter. Criteria: ICSL Variant Classification Criteria 13 December 2019. Collection method: clinical testing. Allele origin: germline.
Comment: This variant was observed in the ICSL laboratory as part of a predisposition screen in an ostensibly healthy population. It had not been previously curated by ICSL or reported in the Human Gene Mutation Database (HGMD: prior to June 1st, 2018), and was therefore a candidate for classification through an automated scoring system. Utilizing variant allele frequency, disease prevalence and penetrance estimates, and inheritance mode, an automated score was calculated to assess if this variant is too frequent to cause the disease. Based on the score and internal cut-off values, a variant classified as benign is not then subjected to further curation. The score for this variant resulted in a classification of benign for this disease.

NM_007214.5(SEC63):c.*2886A>C

Gene: SEC63 (SEC63 homolog, protein translocation regulator; minus strand). Cytogenetic location: 6q21.
Variant type: single nucleotide variant.
Coding change: c.*2886A>C on transcript NM_007214.5 (MANE Select); 2886 bases downstream of the stop codon, A replaced by C.
Molecular consequence: 3 prime UTR variant.
Genome position (GRCh38, 1-based): chr6:107,868,818, T>G on the plus strand (A>C on the coding strand, the complement: SEC63 is on the minus strand). VCF-style: chr6-107868818-T-G. GRCh37 (hg19) VCF-style: chr6-108190022-T-G.
Identifiers: ClinVar variation 354836 (VCV000354836.5), dbSNP rs182441835, ClinGen allele CA10625576.